The following is an entry in ClinVar:

NM_001134363.3(RBM20):c.707C>G (p.Ser236Cys)

Gene: RBM20 (RNA binding motif protein 20; plus strand). Cytogenetic location: 10q25.2.
Variant type: single nucleotide variant.
Coding change: c.707C>G on transcript NM_001134363.3 (MANE Select); coding-DNA position 707, C replaced by G.
Protein change: p.Ser236Cys; replaces serine 236 with cysteine.
Molecular consequence: missense variant.
Genome position (GRCh38, 1-based): chr10:110,781,316, C>G. VCF-style: chr10-110781316-C-G. GRCh37 (hg19) VCF-style: chr10-112541074-C-G.
Other names: c.707C>G (NM_001134363.1); short protein forms S236C.
Identifiers: ClinVar variation 1054105 (VCV001054105.10), dbSNP rs548382173, ClinGen allele CA378382463.
Genomic context (GRCh38, chr10:110,781,316, plus strand): 5'-TTGGCAAGACTGGGCCTGCTCCAGCTACAGCAGGATTCTATGAGTATGGCAAAGCCAGCT[C>G]TGGCCAGACATATGGCCCTGAAACAGATGGTCAGCCTGGCTTCCTGCCATCCTCGGCCTC-3'
Protein context (NP_001127835.2, residues 226-246): AGFYEYGKAS[Ser236Cys]GQTYGPETDG

ClinVar aggregate classification (germline): Conflicting classifications of pathogenicity. Review status: criteria provided, conflicting classifications (1 of 4 stars). 2 submissions from 2 submitters: Uncertain significance (1); Likely benign (1). Last evaluated 2026-09-07.

Conditions:
Dilated cardiomyopathy 1DD (CMD1DD). Identifiers: Orphanet 154, MedGen C2750995, MONDO:0013168, OMIM 613172.
Cardiovascular phenotype. Identifiers: MedGen CN230736.

gnomAD v4.1: 2 of 1,551,738 alleles (0.00013%); highest among the groups gnomAD compares: Admixed American, 0.0039%; no homozygotes.

Submissions (2):

Ambry Genetics
Classification: Uncertain significance for Cardiovascular phenotype. Last evaluated: 2026-09-07. Review status: criteria provided, single submitter. Criteria: Ambry Variant Classification Scheme 2023. Collection method: clinical testing. Allele origin: germline.
Comment: The p.S236C variant (also known as c.707C>G), located in coding exon 2 of the RBM20 gene, results from a C to G substitution at nucleotide position 707. The serine at codon 236 is replaced by cysteine, an amino acid with dissimilar properties. This amino acid position is conserved. In addition, this alteration is predicted to be tolerated by in silico analysis. Based on the available evidence, the clinical significance of this variant remains unclear.

Labcorp Genetics (formerly Invitae), Labcorp
Classification: Likely benign for Dilated cardiomyopathy 1DD. Last evaluated: 2025-12-19. Review status: criteria provided, single submitter. Criteria: Invitae Variant Classification Sherloc (09022015). Collection method: clinical testing. Allele origin: germline.